The following is an entry in ClinVar:

NM_001165963.4(SCN1A):c.4245T>A (p.Phe1415Leu)

Genes: SCN1A (sodium voltage-gated channel alpha subunit 1; minus strand), LOC102724058 (uncharacterized LOC102724058; plus strand). Cytogenetic location: 2q24.3.
Variant type: single nucleotide variant.
Coding change: c.4245T>A on transcript NM_001165963.4 (MANE Select); coding-DNA position 4245, T replaced by A.
Protein change: p.Phe1415Leu; replaces phenylalanine 1415 with leucine.
Molecular consequence: missense variant. On other transcripts: non-coding transcript variant (1).
Genome position (GRCh38, 1-based): chr2:166,002,511, A>T on the plus strand (T>A on the coding strand, the complement: SCN1A is on the minus strand). VCF-style: chr2-166002511-A-T. GRCh37 (hg19) VCF-style: chr2-166859021-A-T.
Other names: c.4161T>A, p.Phe1387Leu (NM_001165964.3, NM_001353957.2, NM_001353958.2); c.4245T>A, p.Phe1415Leu (NM_001202435.3, NM_001353948.2); c.4212T>A, p.Phe1404Leu (NM_001353949.2, NM_001353950.2, NM_001353951.2 and 2 more transcripts); c.4209T>A, p.Phe1403Leu (NM_001353954.2, NM_001353955.2); c.4158T>A, p.Phe1386Leu (NM_001353960.2); c.1803T>A, p.Phe601Leu (NM_001353961.2); short protein forms F1386L, F1415L, F1403L, F1387L, F1404L, F601L.
Identifiers: ClinVar variation 2061575 (VCV002061575.4), dbSNP rs2468433892, ClinGen allele CA349049944.
Genomic context (GRCh38, chr2:166,002,511, plus strand): 5'-GAGAAAATAGTGTTCACTTACAACTTGAAGCAAAGAGAGATACCCAAATCCTACATTATC[A>T]AAGTTTACTTTCACATTTTTCCATCGAGCAGTCTCATTTCTTTCTATTAGTTTTAGGCAA-3'
Protein context (NP_001159435.1, residues 1405-1425): TARWKNVKVN[Phe1415Leu]DNVGFGYLSL

ClinVar aggregate classification (germline): Likely pathogenic (1 of 4 stars; one submission).

Conditions:
Early-infantile DEE. Also called: Early infantile epileptic encephalopathy; Ohtahara syndrome; Early infantile epileptic encephalopathy with suppression bursts. Identifiers: Orphanet 1934, MedGen C0393706, MONDO:0800491.

Submission:

Labcorp Genetics (formerly Invitae), Labcorp
Classification: Likely pathogenic for Early-infantile DEE. Last evaluated: 2021-12-26. Review status: criteria provided, single submitter. Criteria: Invitae Variant Classification Sherloc (09022015). Collection method: clinical testing. Allele origin: germline.
Comment: This sequence change replaces phenylalanine, which is neutral and non-polar, with leucine, which is neutral and non-polar, at codon 1415 of the SCN1A protein (p.Phe1415Leu). This variant is not present in population databases (gnomAD no frequency). This variant has not been reported in the literature in individuals affected with SCN1A-related conditions. Advanced modeling of protein sequence and biophysical properties (such as structural, functional, and spatial information, amino acid conservation, physicochemical variation, residue mobility, and thermodynamic stability) performed at Invitae indicates that this missense variant is expected to disrupt SCN1A protein function. This variant disrupts the p.Phe1415 amino acid residue in SCN1A. Other variant(s) that disrupt this residue have been determined to be pathogenic (Invitae). This suggests that this residue is clinically significant, and that variants that disrupt this residue are likely to be disease-causing. In summary, the currently available evidence indicates that the variant is pathogenic, but additional data are needed to prove that conclusively. Therefore, this variant has been classified as Likely Pathogenic.